The following is an entry in ClinVar:

NM_003072.5(SMARCA4):c.4299G>A (p.Lys1433=)

Gene: SMARCA4 (SWI/SNF related BAF chromatin remodeling complex subunit ATPase 4; plus strand). Cytogenetic location: 19p13.2.
Variant type: single nucleotide variant.
Coding change: c.4299G>A on transcript NM_003072.5 (MANE Select); coding-DNA position 4299, G replaced by A.
Protein change: p.Lys1433=; no amino-acid change (lysine 1433 retained).
Molecular consequence: synonymous variant. On other transcripts: non-coding transcript variant (1).
Genome position (GRCh38, 1-based): chr19:11,041,435, G>A. VCF-style: chr19-11041435-G-A. GRCh37 (hg19) VCF-style: chr19-11152111-G-A.
Other names: c.4299G>A, p.Lys1433= (NM_001128844.3); c.4209G>A, p.Lys1403= (NM_001128845.2, NM_001128846.2); c.4200G>A, p.Lys1400= (NM_001128847.4, NM_001128848.2, NM_001374457.1); c.4395G>A, p.Lys1465= (NM_001128849.3, NM_001387283.1); c.4296G>A, p.Lys1432= (NM_001411150.1).
Identifiers: ClinVar variation 5042121 (VCV005042121.1).

ClinVar aggregate classification (germline): Benign (1 of 4 stars; one submission).

Conditions:
Rhabdoid tumor predisposition syndrome 2 (RTPS2). Identifiers: Orphanet 231108, Orphanet 69077, MedGen C2750074, MONDO:0013224, OMIM 613325.

Submission:

Myriad Genetics, Inc.
Classification: Benign for Rhabdoid tumor predisposition syndrome 2. Last evaluated: 2026-07-16. Review status: criteria provided, single submitter. Criteria: Myriad Autosomal Dominant, Autosomal Recessive and X-Linked Classification Criteria (2023). Collection method: clinical testing. Allele origin: unknown.
Comment: This variant is considered benign. This variant is a silent/synonymous amino acid change and it is not expected to impact splicing.